The following is an entry in ClinVar:

NM_001199138.2(NLRC4):c.2375A>G (p.Lys792Arg)

Gene: NLRC4 (NLR family CARD domain containing 4; minus strand). Cytogenetic location: 2p22.3.
Variant type: single nucleotide variant.
Coding change: c.2375A>G on transcript NM_001199138.2 (MANE Select); coding-DNA position 2375, A replaced by G.
Protein change: p.Lys792Arg; replaces lysine 792 with arginine.
Molecular consequence: missense variant.
Genome position (GRCh38, 1-based): chr2:32,238,278, T>C on the plus strand (A>G on the coding strand, the complement: NLRC4 is on the minus strand). VCF-style: chr2-32238278-T-C. GRCh37 (hg19) VCF-style: chr2-32463347-T-C.
Other names: c.2375A>G, p.Lys792Arg (NM_001199139.2, NM_021209.5); c.380A>G, p.Lys127Arg (NM_001302504.2); short protein forms K127R, K792R.
Identifiers: ClinVar variation 1025798 (VCV001025798.8), dbSNP rs753274448, ClinGen allele CA346509633.

ClinVar aggregate classification (germline): Uncertain significance (1 of 4 stars; one submission).

Conditions:
Periodic fever-infantile enterocolitis-autoinflammatory syndrome. Also called: Autoinflammation with infantile enterocolitis. Identifiers: Orphanet 436166, MedGen C4015067, MONDO:0014472, OMIM 616050.
Familial cold autoinflammatory syndrome 4 (FCAS4). Identifiers: Orphanet 47045, Orphanet 576349, MedGen C4015276, MONDO:0014498, OMIM 616115.

Submission:

Labcorp Genetics (formerly Invitae), Labcorp
Classification: Uncertain significance for Periodic fever-infantile enterocolitis-autoinflammatory syndrome; Familial cold autoinflammatory syndrome 4. Last evaluated: 2025-08-25. Review status: criteria provided, single submitter. Criteria: Invitae Variant Classification Sherloc (09022015). Collection method: clinical testing. Allele origin: germline.
Comment: This sequence change replaces lysine, which is basic and polar, with arginine, which is basic and polar, at codon 792 of the NLRC4 protein (p.Lys792Arg). This variant is not present in population databases (gnomAD no frequency). This variant has not been reported in the literature in individuals affected with NLRC4-related conditions. ClinVar contains an entry for this variant (Variation ID: 1025798). Invitae Evidence Modeling of protein sequence and biophysical properties (such as structural, functional, and spatial information, amino acid conservation, physicochemical variation, residue mobility, and thermodynamic stability) indicates that this missense variant is not expected to disrupt NLRC4 protein function with a negative predictive value of 80%. In summary, the available evidence is currently insufficient to determine the role of this variant in disease. Therefore, it has been classified as a Variant of Uncertain Significance.